The following is an entry in ClinVar:

ClinVar aggregate classification (germline): Likely pathogenic. Review status: criteria provided, single submitter (1 of 4 stars). 2 submissions from 2 submitters: Likely pathogenic (1). 1 of the submissions does not count toward it. Last evaluated 2025-12-16.

Conditions:
Medium-chain acyl-coenzyme A dehydrogenase deficiency (ACADMD). Also called: CARNITINE DEFICIENCY SECONDARY TO MEDIUM-CHAIN ACYL-CoA DEHYDROGENASE DEFICIENCY; Medium chain acyl-CoA dehydrogenase deficiency; ACADM DEFICIENCY; MCADH DEFICIENCY; MCAD Deficiency; MCADD. Identifiers: Orphanet 42, MedGen C0220710, MONDO:0008721, OMIM 201450.

Submissions (2):

Labcorp Genetics (formerly Invitae), Labcorp
Classification: Likely pathogenic for Medium-chain acyl-coenzyme A dehydrogenase deficiency. Last evaluated: 2025-12-16. Review status: criteria provided, single submitter. Criteria: Invitae Variant Classification Sherloc (09022015). Collection method: clinical testing. Allele origin: germline.
Comment: This sequence change replaces glycine, which is neutral and non-polar, with alanine, which is neutral and non-polar, at codon 118 of the ACADM protein (p.Gly118Ala). This variant is not present in population databases (gnomAD no frequency). This missense change has been observed in individual(s) with medium-chain acyl-coenzyme A dehydrogenase deficiency (internal data). In at least one individual the data is consistent with being in trans (on the opposite chromosome) from a pathogenic variant. ClinVar contains an entry for this variant (Variation ID: 971210). Invitae Evidence Modeling of protein sequence and biophysical properties (such as structural, functional, and spatial information, amino acid conservation, physicochemical variation, residue mobility, and thermodynamic stability) indicates that this missense variant is not expected to disrupt ACADM protein function with a negative predictive value of 80%. This variant disrupts the p.Gly118 amino acid residue in ACADM. Other variant(s) that disrupt this residue have been observed in individuals with ACADM-related conditions (internal data), which suggests that this may be a clinically significant amino acid residue. In summary, the currently available evidence indicates that the variant is pathogenic, but additional data are needed to prove that conclusively. Therefore, this variant has been classified as Likely Pathogenic.

Natera, Inc.
Classification: Uncertain significance for Medium Chain Acyl-CoA Dehydrogenase Deficiency. Last evaluated: 2020-06-29. Review status: no assertion criteria provided. Collection method: clinical testing. Allele origin: germline. Not counted in ClinVar's aggregate classification.

NM_000016.6(ACADM):c.353G>C (p.Gly118Ala)

Gene: ACADM (acyl-CoA dehydrogenase medium chain; plus strand). Cytogenetic location: 1p31.1.
Variant type: single nucleotide variant.
Coding change: c.353G>C on transcript NM_000016.6 (MANE Select); coding-DNA position 353, G replaced by C.
Protein change: p.Gly118Ala; replaces glycine 118 with alanine.
Molecular consequence: missense variant. On other transcripts: intron variant (1).
Genome position (GRCh38, 1-based): chr1:75,733,594, G>C. VCF-style: chr1-75733594-G-C. GRCh37 (hg19) VCF-style: chr1-76199279-G-C.
Other names: c.365G>C, p.Gly122Ala (NM_001127328.3); c.245G>C, p.Gly82Ala (NM_001286042.2); c.452G>C, p.Gly151Ala (NM_001286043.2); c.-100+672G>C (NM_001286044.2); short protein forms G118A, G151A, G82A, G122A.
Identifiers: ClinVar variation 971210 (VCV000971210.12), dbSNP rs1647188699, ClinGen allele CA340812416.
Genomic context (GRCh38, chr1:75,733,594, plus strand): 5'-TTGGACTTGGAACTTTTGATGCTTGTTTAATTAGTGAAGAATTGGCTTATGGATGTACAG[G>C]GGTTCAGACTGCTATTGAAGGAAATTCTTTGGGGGTAAGTGACTTAGAAAATTAACTACC-3'
Protein context (NP_000007.1, residues 108-128): ISEELAYGCT[Gly118Ala]VQTAIEGNSL